The following is an entry in ClinVar:

ClinVar aggregate classification (germline): Conflicting classifications of pathogenicity. Review status: criteria provided, conflicting classifications (1 of 4 stars). 6 submissions from 6 submitters: Pathogenic (5); Uncertain significance (1). Last evaluated 2024-11-30.

Conditions:
Galactosylceramide beta-galactosidase deficiency. Also called: Leukodystrophy, Globoid Cell; Krabbe Disease; GALACTOCEREBROSIDASE DEFICIENCY; GALC DEFICIENCY; GLOBOID CELL LEUKOENCEPHALOPATHY. Identifiers: Orphanet 487, MedGen C0023521, MONDO:0009499, OMIM 245200.

Submissions (6):

Natera, Inc.
Classification: Pathogenic for Galactosylceramide beta-galactosidase deficiency. Last evaluated: 2024-11-30. Review status: criteria provided, single submitter. Criteria: Natera Variant Classification Schema (03/2026). Collection method: clinical testing. Allele origin: germline.
Comment: The c.1158_1161+6delCATGGTAAAC variant in GALC is a frameshift variant predicted to shift the reading frame and introduce a stop codon. This variant is expected to result in nonsense mediated decay, truncation, or a dysfunctional protein product. This variant is rare in the general population with a frequency below the threshold expected for the associated phenotype(s). This variant has been observed in one or more individuals affected with the associated recessive disease, as either homozygous or compound heterozygous with a second variant (PMID: 30777126). Given the available evidence, this variant is classified as Pathogenic.

Labcorp Genetics (formerly Invitae), Labcorp
Classification: Pathogenic for Galactosylceramide beta-galactosidase deficiency. Last evaluated: 2023-03-08. Review status: criteria provided, single submitter. Criteria: Invitae Variant Classification Sherloc (09022015). Collection method: clinical testing. Allele origin: germline.
Comment: Algorithms developed to predict the effect of sequence changes on RNA splicing suggest that this variant may disrupt the consensus splice site. ClinVar contains an entry for this variant (Variation ID: 444335). This variant is also known as c.1110_1113+6del and c.1158del10. This variant has been observed in individual(s) with Krabbe disease (PMID: 21824559, 30777126). This variant is present in population databases (rs759068540, gnomAD 0.0009%). This variant results in the deletion of part of exon 10 of the GALC gene. It is expected to disrupt RNA splicing. Variants that disrupt the donor or acceptor splice site typically lead to a loss of protein function (PMID: 16199547), and loss-of-function variants in GALC are known to be pathogenic (PMID: 7437911, 9272171, 16607461). For these reasons, this variant has been classified as Pathogenic.

Revvity Omics, Revvity
Classification: Pathogenic. Last evaluated: 2022-09-21. Review status: criteria provided, single submitter. Criteria: ACMG Guidelines, 2015. Collection method: clinical testing. Allele origin: germline.

Women's Health and Genetics/Laboratory Corporation of America, LabCorp
Classification: Pathogenic for Galactosylceramide beta-galactosidase deficiency. Last evaluated: 2020-03-02. Review status: criteria provided, single submitter. Criteria: LabCorp Variant Classification Summary - May 2015. Collection method: clinical testing. Allele origin: germline.
Comment: Variant summary: GALC c.1158_1161+6del10 is located in the end of exon 10 including a canonical splice-site at intron 10 and is predicted to affect mRNA splicing resulting in a significantly altered protein due to either exon skipping, shortening, or inclusion of intronic material. 4/4 computational tools predict a significant impact on normal splicing and predict the variant abolishes a canonical 5 splicing donor site. However, these predictions have yet to be confirmed by functional studies. The variant allele was found at a frequency of 4e-06 in 248926 control chromosomes (gnomAD). c.1158_1161+6del10 has been reported in the literature in individuals affected with Krabbe Disease (Duffner_2011, Beltran-Quintero_2019). These data indicate that the variant may be associated with disease. At least one in vitro study reports this variant effect results in decreasing normal GALC activity. Two ClinVar submitters (evaluation after 2014) cite the variant as uncertain significance and pathogenic. Based on the evidence outlined above, the variant was classified as pathogenic.

CeGaT Center for Human Genetics Tuebingen
Classification: Uncertain significance. Last evaluated: 2017-02-01. Review status: criteria provided, single submitter. Criteria: CeGaT Center For Human Genetics Tuebingen Variant Classification Criteria Version 2. Collection method: clinical testing. Allele origin: germline. Affected: yes. Observed: 1 variant allele.

Eurofins Ntd Llc (ga)
Classification: Pathogenic. Last evaluated: 2016-08-17. Review status: criteria provided, single submitter. Criteria: EGL Classification Definitions 2015. Collection method: clinical testing. Allele origin: germline. Observed: 1 variant allele, 1 heterozygote.

Literature cited by the submitters: PubMed 30777126 (cited by 3 submitters); PubMed 21824559 (cited by Labcorp Genetics (formerly Invitae), Labcorp and Women's Health and Genetics/Laboratory Corporation of America, LabCorp); PubMed 16199547 (cited by Labcorp Genetics (formerly Invitae), Labcorp); PubMed 7437911 (cited by Labcorp Genetics (formerly Invitae), Labcorp); PubMed 9272171 (cited by Labcorp Genetics (formerly Invitae), Labcorp); PubMed 16607461 (cited by Labcorp Genetics (formerly Invitae), Labcorp).

NM_000153.4(GALC):c.1158_1161+6del

Gene: GALC (galactosylceramidase; minus strand). Cytogenetic location: 14q31.3.
Variant type: Deletion.
Coding change: c.1158_1161+6del on transcript NM_000153.4 (MANE Select); coding-DNA position 1158 through 6 bases into the intron after coding-DNA position 1161, 10 bases deleted (CATGGTAAAC; older notation c.1158_1161+6delCATGGTAAAC).
Molecular consequence: splice donor variant.
Genome position (GRCh38, 1-based): chr14:87,963,378-87,963,387, GTTTACCATG deleted on the plus strand (CATGGTAAAC on the coding strand, the reverse complement: GALC is on the minus strand); deleting any 10 consecutive bases within chr14:87,963,378-87,963,391 gives the same sequence; the c. name uses the placement nearest the transcript's 3' end. VCF-style (leftmost placement, unchanged base first): chr14-87963377-AGTTTACCATG-A. GRCh37 (hg19) VCF-style: chr14-88429721-AGTTTACCATG-A.
Other names: c.1080_1083+6del (NM_001201402.2); c.1089_1092+6del (NM_001201401.2); c.1158_1161+6del10 (NM_000153.3); c.1158_1161+6delCATGGTAAAC (NM_000153.3).
Identifiers: ClinVar variation 444335 (VCV000444335.62), dbSNP rs759068540, ClinGen allele CA7297138.
Genomic context (GRCh38, chr14:87,963,377, plus strand): 5'-AGTTTTATATTTTATTTTTCCAATAGTAAAGAAGTGAGTTAATCCAATAGCAACAACAAA[AGTTTACCATG>A]GTTTCAATGATGATGGTGAGGTTCCCTAAGCCATCAGTCAGAGCTACGTAGCTTCCTCCT-3'